The following is an entry in ClinVar:

ClinVar aggregate classification (germline): Likely benign (1 of 4 stars; one submission).

Allele frequency attached by ClinVar (database versions not stated): gnomAD exomes below 0.00001.
gnomAD v4.1: 2 of 1,210,498 alleles (0.00017%); highest among the groups gnomAD compares: Non-Finnish European, 0.00022%; no homozygotes.

Submission:

CeGaT Center for Human Genetics Tuebingen
Classification: Likely benign. Last evaluated: 2023-05-01. Review status: criteria provided, single submitter. Criteria: CeGaT Center For Human Genetics Tuebingen Variant Classification Criteria Version 2. Collection method: clinical testing. Allele origin: germline. Affected: yes. Observed: 1 variant allele.
Comment: BCOR: PM2:Supporting, BP4, BP7

NM_001123385.2(BCOR):c.4905T>C (p.Asp1635=)

Gene: BCOR (BCL6 corepressor; minus strand). Cytogenetic location: Xp11.4.
Variant type: single nucleotide variant.
Coding change: c.4905T>C on transcript NM_001123385.2 (MANE Select); coding-DNA position 4905, T replaced by C.
Protein change: p.Asp1635=; no amino-acid change (aspartic acid 1635 retained).
Molecular consequence: synonymous variant.
Genome position (GRCh38, 1-based): chrX:40,053,957, A>G on the plus strand (T>C on the coding strand, the complement: BCOR is on the minus strand). VCF-style: chrX-40053957-A-G. GRCh37 (hg19) VCF-style: chrX-39913210-A-G.
Other names: c.4803T>C, p.Asp1601= (NM_017745.6, NM_001123383.2); c.4749T>C, p.Asp1583= (NM_001123384.2).
Identifiers: ClinVar variation 2660306 (VCV002660306.24), dbSNP rs2519285116, ClinGen allele CA515962458.